The following is an entry in ClinVar:

NM_005883.3(APC2):c.4191G>A (p.Pro1397=)

Gene: APC2 (APC regulator of Wnt signaling pathway 2; plus strand). Cytogenetic location: 19p13.3.
Variant type: single nucleotide variant.
Coding change: c.4191G>A on transcript NM_005883.3 (MANE Select); coding-DNA position 4191, G replaced by A.
Protein change: p.Pro1397=; no amino-acid change (proline 1397 retained).
Molecular consequence: synonymous variant.
Genome position (GRCh38, 1-based): chr19:1,467,492, G>A. VCF-style: chr19-1467492-G-A. GRCh37 (hg19) VCF-style: chr19-1467491-G-A.
Other names: c.4188G>A, p.Pro1396= (NM_001351273.1).
Identifiers: ClinVar variation 2977212 (VCV002977212.5), dbSNP rs545834777, ClinGen allele CA504897392.
Genomic context (GRCh38, chr19:1,467,492, plus strand): 5'-GCCCGCCCCGGCCCCGGCCCAGGAGGACGACTCCTGCACTGACTCCGCGGAGGGCACGCC[G>A]GTCAACTTCTCTAGCGCCGCCTCGCTCAGCGACGAGACGCTGCAGGGACCCCCCAGGGAC-3'
Protein context (NP_005874.1, residues 1387-1407): DSCTDSAEGT[Pro1397=]VNFSSAASLS

ClinVar aggregate classification (germline): Likely benign. Review status: criteria provided, multiple submitters, no conflicts (2 of 4 stars). 2 submissions from 2 submitters: Likely benign (2). Last evaluated 2026-06-01.

gnomAD v4.1: 29 of 1,457,626 alleles (0.002%); highest among the groups gnomAD compares: Non-Finnish European, 0.0025%; no homozygotes.

Submissions (2):

CeGaT Center for Human Genetics Tuebingen
Classification: Likely benign. Last evaluated: 2026-06-01. Review status: criteria provided, single submitter. Criteria: CeGaT Center For Human Genetics Tuebingen Variant Classification Criteria Version 2. Collection method: clinical testing. Allele origin: germline. Affected: yes. Observed: 1 variant allele.
Comment: APC2: BP4, BP7

Labcorp Genetics (formerly Invitae), Labcorp
Classification: Likely benign. Last evaluated: 2024-11-27. Review status: criteria provided, single submitter. Criteria: Invitae Variant Classification Sherloc (09022015). Collection method: clinical testing. Allele origin: germline.